The following continues an entry in ClinVar:

NM_000059.4(BRCA2):c.6724_6725del (p.Asp2242fs)

Gene: BRCA2. ClinVar aggregate classification (germline): Pathogenic. Pathogenic (1).

Submissions 9 to 14 of 14:

Women's Health and Genetics/Laboratory Corporation of America, LabCorp
Classification: Pathogenic for Hereditary breast ovarian cancer syndrome. Last evaluated: 2023-05-11. Review status: criteria provided, single submitter. Criteria: LabCorp Variant Classification Summary - May 2015. Collection method: clinical testing. Allele origin: germline. Not counted in ClinVar's aggregate classification.
Comment: Variant summary: BRCA2 c.6724_6725delGA (p.Asp2242PhefsX2) results in a premature termination codon, predicted to cause a truncation of the encoded protein or absence of the protein due to nonsense mediated decay, which are commonly known mechanisms for disease. Variants downstream of this position have been classified as pathogenic by our laboratory. The variant allele was found at a frequency of 4e-06 in 251336 control chromosomes. The available data on variant occurrences in the general population are insufficient to allow any conclusion about variant significance. c.6724_6725delGA has been reported in the literature in multiple individuals affected with Hereditary Breast And Ovarian Cancer Syndrome (e.g., Kang_2015). These data indicate that the variant is very likely to be associated with disease. To our knowledge, no experimental evidence demonstrating an impact on protein function has been reported. The following publication was ascertained in the context of this evaluation (PMID: 25863477). Seven ClinVar submitters (evaluation after 2014) have cited the variant, and all submitters classified the variant as pathogenic. Based on the evidence outlined above, the variant was classified as pathogenic.

Human Genome Sequencing Center Clinical Lab, Baylor College of Medicine
Classification: Pathogenic for hereditary breast and ovarian cancer syndrome. Last evaluated: 2018-07-05. Review status: criteria provided, single submitter. Criteria: ACMG Guidelines, 2015. Collection method: clinical testing. Allele origin: unknown. Not counted in ClinVar's aggregate classification.
Comment: The c.6724_6725del (p.Asp2242Phefs*2) variant in the BRCA2 gene is located on the exon 11 and is predicted to shift the reading frame that introduces a premature translation termination codon (p.Asp2242Phefs*2), resulting in an absent or disrupted protein product. The variant has been reported in multiple individuals with breast and/or ovarian cancer (PMID: 34657357, 22217648, 19656164, 26187060). Loss-of-function variants in BRCA2 are known to be pathogenic (PMID: 8988179, 11897832, 29446198). The variant is reported in ClinVar as pathogenic (ID: 38062) and reviewed by the expert panel. The variant is rare in general population according to gnomAD (1/251336). Therefore, the c.6724_6725del (p.Asp2242Phefs*2) variant in the BRCA2 gene has been classified as pathogenic.

Quest Diagnostics Nichols Institute San Juan Capistrano
Classification: Pathogenic. Last evaluated: 2018-06-29. Review status: criteria provided, single submitter. Criteria: Quest Diagnostics criteria. Collection method: clinical testing. Allele origin: unknown. Not counted in ClinVar's aggregate classification.
Comment: This variant alters the translational reading frame of the BRCA2 mRNA and causes the premature termination of BRCA2 protein synthesis. Additionally, this variant has been reported in an individual with breast cancer in the published literature (PMID: 19656164 (2009)). Based on the available information, this variant is classified as pathogenic.

Consortium of Investigators of Modifiers of BRCA1/2 (CIMBA), c/o University of Cambridge
Classification: Pathogenic for Breast-ovarian cancer, familial, susceptibility to, 2. Last evaluated: 2015-10-02. Review status: criteria provided, single submitter. Criteria: CIMBA Mutation Classification guidelines May 2016. Collection method: clinical testing. Allele origin: germline. Not counted in ClinVar's aggregate classification.

Research Molecular Genetics Laboratory, Women's College Hospital, University of Toronto
Classification: Pathogenic for Hereditary breast ovarian cancer syndrome. Last evaluated: 2014-01-31. Review status: no assertion criteria provided. Collection method: research. Allele origin: germline. Affected: yes. Study: The Canadian Open Genetics Repository (COGR). Not counted in ClinVar's aggregate classification.

Sharing Clinical Reports Project (SCRP)
Classification: Pathogenic for Breast-ovarian cancer, familial 2. Last evaluated: 2011-02-14. Review status: no assertion criteria provided. Collection method: clinical testing. Allele origin: germline. Not counted in ClinVar's aggregate classification.

Literature cited by the submitters: PubMed 20104584 (cited by Labcorp Genetics (formerly Invitae), Labcorp); PubMed 19656164 (cited by 4 submitters); PubMed 22217648 (cited by 3 submitters); PubMed 22382806 (cited by 3 submitters); PubMed 22798144 (cited by 3 submitters); PubMed 25863477 (cited by 5 submitters); PubMed 26187060 (cited by 3 submitters); PubMed 29446198 (cited by 3 submitters); PubMed 30350268 (cited by Ambry Genetics and Color Diagnostics, LLC DBA Color Health); PubMed 31447099 (cited by Ambry Genetics); PubMed 27836010 (cited by Color Diagnostics, LLC DBA Color Health and All of Us Research Program, National Institutes of Health); PubMed 35671604 (cited by Color Diagnostics, LLC DBA Color Health).